The following is an entry in ClinVar:

ClinVar aggregate classification (germline): Uncertain significance. Review status: criteria provided, multiple submitters, no conflicts (2 of 4 stars). 3 submissions from 3 submitters: Uncertain significance (3). Last evaluated 2024-11-08.

Conditions:
Inborn genetic diseases. Identifiers: MedGen C0950123, MeSH D030342.
Congenital myasthenic syndrome 10. Also called: Myasthenia, limb-girdle, familial. Identifiers: Orphanet 590, MedGen C1850792, MONDO:0009690, OMIM 254300.
Fetal akinesia deformation sequence 1 (FADS1). Also called: Pena-Shokeir syndrome type I; Fetal akinesia sequence. Identifiers: Orphanet 994, MedGen C1276035, MONDO:0100101, OMIM 208150, HP:0001989.

Allele frequency attached by ClinVar (database versions not stated): gnomAD exomes 0.00002 and 0.00005; gnomAD 0.00003 and 0.00004; TOPMed 0.00004; ExAC 0.00008; ESP Exome Variant Server 0.00008.
gnomAD v4.1: 36 of 1,571,116 alleles (0.0023%); highest among the groups gnomAD compares: East Asian, 0.014%; no homozygotes.

Submissions (3):

Ambry Genetics
Classification: Uncertain significance for Inborn genetic diseases. Last evaluated: 2024-11-08. Review status: criteria provided, single submitter. Criteria: Ambry Variant Classification Scheme 2023. Collection method: clinical testing. Allele origin: germline.

Labcorp Genetics (formerly Invitae), Labcorp
Classification: Uncertain significance for Congenital myasthenic syndrome 10; Fetal akinesia deformation sequence 1. Last evaluated: 2024-10-18. Review status: criteria provided, single submitter. Criteria: Invitae Variant Classification Sherloc (09022015). Collection method: clinical testing. Allele origin: germline.
Comment: This sequence change replaces arginine, which is basic and polar, with tryptophan, which is neutral and slightly polar, at codon 244 of the DOK7 protein (p.Arg244Trp). This variant is present in population databases (rs140544446, gnomAD 0.01%). This missense change has been observed in individual(s) with clinical features of DOK7-related conditions (internal data). ClinVar contains an entry for this variant (Variation ID: 836044). Invitae Evidence Modeling of protein sequence and biophysical properties (such as structural, functional, and spatial information, amino acid conservation, physicochemical variation, residue mobility, and thermodynamic stability) indicates that this missense variant is expected to disrupt DOK7 protein function with a positive predictive value of 80%. In summary, the available evidence is currently insufficient to determine the role of this variant in disease. Therefore, it has been classified as a Variant of Uncertain Significance.

Revvity Omics, Revvity
Classification: Uncertain significance. Last evaluated: 2024-06-27. Review status: criteria provided, single submitter. Criteria: ACMG Guidelines, 2015. Collection method: clinical testing. Allele origin: germline.

NM_173660.5(DOK7):c.730C>T (p.Arg244Trp)

Genes: DOK7 (docking protein 7; plus strand), LOC129992118 (ATAC-STARR-seq lymphoblastoid silent region 15206; plus strand). Cytogenetic location: 4p16.3.
Variant type: single nucleotide variant.
Coding change: c.730C>T on transcript NM_173660.5 (MANE Select); coding-DNA position 730, C replaced by T.
Protein change: p.Arg244Trp; replaces arginine 244 with tryptophan.
Molecular consequence: missense variant. On other transcripts: 5 prime UTR variant (1).
Genome position (GRCh38, 1-based): chr4:3,489,754, C>T. VCF-style: chr4-3489754-C-T. GRCh37 (hg19) VCF-style: chr4-3491481-C-T.
Other names: c.719C>T, p.Ala240Val (NM_001164673.2); c.-201C>T (NM_001256896.2); c.730C>T, p.Arg244Trp (NM_001301071.2); c.298C>T, p.Arg100Trp (NM_001363811.2); short protein forms A240V, R100W, R244W.
Identifiers: ClinVar variation 836044 (VCV000836044.10), dbSNP rs140544446, ClinGen allele CA2829160.